The following is an entry in ClinVar:

ClinVar aggregate classification (germline): Likely benign (1 of 4 stars; one submission).

Allele frequency attached by ClinVar (database versions not stated): ESP Exome Variant Server 0.00023; gnomAD 0.00025; gnomAD exomes 0.00030; ExAC 0.00040.
gnomAD v4.1: 463 of 1,613,532 alleles (0.029%); highest among the groups gnomAD compares: Non-Finnish European, 0.036%; no homozygotes.

Submission:

CeGaT Center for Human Genetics Tuebingen
Classification: Likely benign. Last evaluated: 2022-10-01. Review status: criteria provided, single submitter. Criteria: CeGaT Center For Human Genetics Tuebingen Variant Classification Criteria Version 2. Collection method: clinical testing. Allele origin: germline. Affected: yes. Observed: 1 variant allele.
Comment: PPP1R3A: BP4, BP7

NM_002711.4(PPP1R3A):c.327G>A (p.Leu109=)

Gene: PPP1R3A (protein phosphatase 1 regulatory subunit 3A; minus strand). Cytogenetic location: 7q31.1.
Variant type: single nucleotide variant.
Coding change: c.327G>A on transcript NM_002711.4 (MANE Select); coding-DNA position 327, G replaced by A.
Protein change: p.Leu109=; no amino-acid change (leucine 109 retained).
Molecular consequence: synonymous variant.
Genome position (GRCh38, 1-based): chr7:113,918,670, C>T on the plus strand (G>A on the coding strand, the complement: PPP1R3A is on the minus strand). VCF-style: chr7-113918670-C-T. GRCh37 (hg19) VCF-style: chr7-113558725-C-T.
Identifiers: ClinVar variation 2657950 (VCV002657950.24), dbSNP rs200585550, ClinGen allele CA4445493.